The following is an entry in ClinVar:

NM_033100.4(CDHR1):c.173A>G (p.Asn58Ser)

Gene: CDHR1 (cadherin related family member 1; plus strand). Cytogenetic location: 10q23.1.
Variant type: single nucleotide variant.
Coding change: c.173A>G on transcript NM_033100.4 (MANE Select); coding-DNA position 173, A replaced by G.
Protein change: p.Asn58Ser; replaces asparagine 58 with serine.
Molecular consequence: missense variant.
Genome position (GRCh38, 1-based): chr10:84,196,526, A>G. VCF-style: chr10-84196526-A-G. GRCh37 (hg19) VCF-style: chr10-85956282-A-G.
Other names: c.173A>G, p.Asn58Ser (NM_001171971.3); short protein forms N58S.
Identifiers: ClinVar variation 961162 (VCV000961162.9), dbSNP rs1842032065, ClinGen allele CA377370227.

ClinVar aggregate classification (germline): Uncertain significance (1 of 4 stars; one submission).

Submission:

Labcorp Genetics (formerly Invitae), Labcorp
Classification: Uncertain significance. Last evaluated: 2019-11-05. Review status: criteria provided, single submitter. Criteria: Invitae Variant Classification Sherloc (09022015). Collection method: clinical testing. Allele origin: germline.
Comment: Algorithms developed to predict the effect of missense changes on protein structure and function are either unavailable or do not agree on the potential impact of this missense change (SIFT: "Deleterious"; PolyPhen-2: "Possibly Damaging"; Align-GVGD: "Class C0"). In summary, the available evidence is currently insufficient to determine the role of this variant in disease. Therefore, it has been classified as a Variant of Uncertain Significance. This variant has not been reported in the literature in individuals with CDHR1-related conditions. This sequence change replaces asparagine with serine at codon 58 of the CDHR1 protein (p.Asn58Ser). The asparagine residue is highly conserved and there is a small physicochemical difference between asparagine and serine. This variant is not present in population databases (ExAC no frequency).